The following is an entry in ClinVar:

NM_015512.5(DNAH1):c.2911C>T (p.Arg971Cys)

Gene: DNAH1 (dynein axonemal heavy chain 1; plus strand). Cytogenetic location: 3p21.1.
Variant type: single nucleotide variant.
Coding change: c.2911C>T on transcript NM_015512.5 (MANE Select); coding-DNA position 2911, C replaced by T.
Protein change: p.Arg971Cys; replaces arginine 971 with cysteine.
Molecular consequence: missense variant.
Genome position (GRCh38, 1-based): chr3:52,352,591, C>T. VCF-style: chr3-52352591-C-T. GRCh37 (hg19) VCF-style: chr3-52386607-C-T.
Other names: short protein forms R971C.
Identifiers: ClinVar variation 3758148 (VCV003758148.2).

ClinVar aggregate classification (germline): Uncertain significance (1 of 4 stars; one submission).

Conditions:
Spermatogenic failure 18. Identifiers: MedGen C4539783, MONDO:0054615, OMIM 617576.
Ciliary dyskinesia, primary, 37 (CILD37). Also called: CILIARY DYSKINESIA, PRIMARY, 37, WITH OR WITHOUT SITUS INVERSUS. Identifiers: MedGen C4539798, MONDO:0033204, OMIM 617577.

gnomAD v4.1: 7 of 1,612,516 alleles (0.00043%); highest among the groups gnomAD compares: African/African-American, 0.0013%; no homozygotes.

Submission:

Labcorp Genetics (formerly Invitae), Labcorp
Classification: Uncertain significance for Ciliary dyskinesia, primary, 37; Spermatogenic failure 18. Last evaluated: 2024-03-29. Review status: criteria provided, single submitter. Criteria: Invitae Variant Classification Sherloc (09022015). Collection method: clinical testing. Allele origin: germline.
Comment: This sequence change replaces arginine, which is basic and polar, with cysteine, which is neutral and slightly polar, at codon 971 of the DNAH1 protein (p.Arg971Cys). This variant is present in population databases (no rsID available, gnomAD 0.0009%). This variant has not been reported in the literature in individuals affected with DNAH1-related conditions. An algorithm developed to predict the effect of missense changes on protein structure and function (PolyPhen-2) suggests that this variant is likely to be disruptive. In summary, the available evidence is currently insufficient to determine the role of this variant in disease. Therefore, it has been classified as a Variant of Uncertain Significance.